The following is an entry in ClinVar:

ClinVar aggregate classification (germline): Uncertain significance. Review status: criteria provided, multiple submitters, no conflicts (2 of 4 stars). 2 submissions from 2 submitters: Uncertain significance (2). Last evaluated 2025-08-06.

Conditions:
MHC class I deficiency. Identifiers: Orphanet 34592, MedGen C6024714, MONDO:0011476.

Allele frequency attached by ClinVar (database versions not stated): gnomAD 0.00001; gnomAD exomes 0.00004 and 0.00002; TOPMed 0.00002; ExAC 0.00003.

Submissions (2):

Ambry Genetics
Classification: Uncertain significance. Last evaluated: 2025-08-06. Review status: criteria provided, single submitter. Criteria: Ambry Variant Classification Scheme 2023. Collection method: clinical testing. Allele origin: germline.

Labcorp Genetics (formerly Invitae), Labcorp
Classification: Uncertain significance for MHC class I deficiency 1. Last evaluated: 2025-05-14. Review status: criteria provided, single submitter. Criteria: Invitae Variant Classification Sherloc (09022015). Collection method: clinical testing. Allele origin: germline.
Comment: This sequence change replaces proline, which is neutral and non-polar, with serine, which is neutral and polar, at codon 201 of the TAPBP protein (p.Pro201Ser). This variant is present in population databases (rs776580678, gnomAD 0.005%). This variant has not been reported in the literature in individuals affected with TAPBP-related conditions. ClinVar contains an entry for this variant (Variation ID: 661809). An algorithm developed to predict the effect of missense changes on protein structure and function (PolyPhen-2) suggests that this variant is likely to be disruptive. In summary, the available evidence is currently insufficient to determine the role of this variant in disease. Therefore, it has been classified as a Variant of Uncertain Significance.

NM_003190.5(TAPBP):c.601C>T (p.Pro201Ser)

Gene: TAPBP (TAP binding protein; minus strand). Cytogenetic location: 6p21.32.
Variant type: single nucleotide variant.
Coding change: c.601C>T on transcript NM_003190.5 (MANE Select); coding-DNA position 601, C replaced by T.
Protein change: p.Pro201Ser; replaces proline 201 with serine.
Molecular consequence: missense variant.
Genome position (GRCh38, 1-based): chr6:33,305,256, G>A on the plus strand (C>T on the coding strand, the complement: TAPBP is on the minus strand). VCF-style: chr6-33305256-G-A. GRCh37 (hg19) VCF-style: chr6-33273033-G-A.
Other names: c.601C>T, p.Pro201Ser (NM_172208.3); c.340C>T, p.Pro114Ser (NM_172209.3); short protein forms P114S, P201S.
Identifiers: ClinVar variation 661809 (VCV000661809.9), dbSNP rs776580678, ClinGen allele CA3755844.